The following is an entry in ClinVar:

NM_153682.3(PIGP):c.111T>G (p.Pro37=)

Gene: PIGP (phosphatidylinositol glycan anchor biosynthesis class P; minus strand). Cytogenetic location: 21q22.13.
Variant type: single nucleotide variant.
Coding change: c.111T>G on transcript NM_153682.3 (MANE Select); coding-DNA position 111, T replaced by G.
Protein change: p.Pro37=; no amino-acid change (proline 37 retained).
Molecular consequence: synonymous variant.
Genome position (GRCh38, 1-based): chr21:37,069,596, A>C on the plus strand (T>G on the coding strand, the complement: PIGP is on the minus strand). VCF-style: chr21-37069596-A-C. GRCh37 (hg19) VCF-style: chr21-38441896-A-C.
Other names: c.111T>G, p.Pro37= (NM_001320480.2); c.33T>G, p.Pro11= (NM_016430.4); c.183T>G, p.Pro61= (NM_153681.2); c.111T>G (NM_153682.2).
Identifiers: ClinVar variation 2067770 (VCV002067770.5), dbSNP rs1025041839, ClinGen allele CA320405458.

ClinVar aggregate classification (germline): Likely benign. Review status: criteria provided, single submitter (1 of 4 stars). 2 submissions from 2 submitters: Likely benign (1). 1 of the submissions does not count toward it. Last evaluated 2025-12-05.

Conditions:
PIGP-related disorder. Also called: PIGP-related condition.

Allele frequency attached by ClinVar (database versions not stated): TOPMed 0.00002; gnomAD exomes 0.00002.
gnomAD v4.1: 23 of 1,570,258 alleles (0.0015%); highest among the groups gnomAD compares: Non-Finnish European, 0.0019%; no homozygotes.

Submissions (2):

Labcorp Genetics (formerly Invitae), Labcorp
Classification: Likely benign. Last evaluated: 2025-12-05. Review status: criteria provided, single submitter. Criteria: Invitae Variant Classification Sherloc (09022015). Collection method: clinical testing. Allele origin: germline.

PreventionGenetics, part of Exact Sciences
Classification: Likely benign for PIGP-related condition. Last evaluated: 2024-04-09. Review status: no assertion criteria provided. Collection method: clinical testing. Allele origin: germline. Not counted in ClinVar's aggregate classification.
Comment: This variant is classified as likely benign based on ACMG/AMP sequence variant interpretation guidelines (Richards et al. 2015 PMID: 25741868, with internal and published modifications).